The following is an entry in ClinVar:

NM_001105206.3(LAMA4):c.605G>A (p.Cys202Tyr)

Gene: LAMA4 (laminin subunit alpha 4; minus strand). Cytogenetic location: 6q21.
Variant type: single nucleotide variant.
Coding change: c.605G>A on transcript NM_001105206.3 (MANE Select); coding-DNA position 605, G replaced by A.
Protein change: p.Cys202Tyr; replaces cysteine 202 with tyrosine.
Molecular consequence: missense variant.
Genome position (GRCh38, 1-based): chr6:112,191,749, C>T on the plus strand (G>A on the coding strand, the complement: LAMA4 is on the minus strand). VCF-style: chr6-112191749-C-T. GRCh37 (hg19) VCF-style: chr6-112512951-C-T.
Other names: c.605G>A (NM_002290.4); c.605G>A, p.Cys202Tyr (NM_001105207.3, NM_002290.5); short protein forms C202Y.
Identifiers: ClinVar variation 1751319 (VCV001751319.11), dbSNP rs142475273, ClinGen allele CA3966095.

ClinVar aggregate classification (germline): Uncertain significance. Review status: criteria provided, multiple submitters, no conflicts (2 of 4 stars). 3 submissions from 3 submitters: Uncertain significance (2). 1 of the submissions does not count toward it. Last evaluated 2025-12-29.

Conditions:
LAMA4-related disorder. Also called: LAMA4-related condition.
Cardiovascular phenotype. Identifiers: MedGen CN230736.
Dilated cardiomyopathy 1JJ (CMD1JJ). Identifiers: Orphanet 154, MedGen C3808935, MONDO:0014095, OMIM 615235.

Allele frequency attached by ClinVar (database versions not stated): ExAC 0.00002; gnomAD 0.00003; TOPMed 0.00003; gnomAD exomes 0.00006; ESP Exome Variant Server 0.00008.

Submissions (3):

Labcorp Genetics (formerly Invitae), Labcorp
Classification: Uncertain significance for Dilated cardiomyopathy 1JJ. Last evaluated: 2025-12-29. Review status: criteria provided, single submitter. Criteria: Invitae Variant Classification Sherloc (09022015). Collection method: clinical testing. Allele origin: germline.
Comment: This sequence change replaces cysteine, which is neutral and slightly polar, with tyrosine, which is neutral and polar, at codon 202 of the LAMA4 protein (p.Cys202Tyr). This variant is present in population databases (rs142475273, gnomAD 0.006%). This variant has not been reported in the literature in individuals affected with LAMA4-related conditions. ClinVar contains an entry for this variant (Variation ID: 1751319). Invitae Evidence Modeling of protein sequence and biophysical properties (such as structural, functional, and spatial information, amino acid conservation, physicochemical variation, residue mobility, and thermodynamic stability) indicates that this missense variant is expected to disrupt LAMA4 protein function with a positive predictive value of 80%. In summary, the available evidence is currently insufficient to determine the role of this variant in disease. Therefore, it has been classified as a Variant of Uncertain Significance.

Ambry Genetics
Classification: Uncertain significance for Cardiovascular phenotype. Last evaluated: 2025-09-10. Review status: criteria provided, single submitter. Criteria: Ambry Variant Classification Scheme 2023. Collection method: clinical testing. Allele origin: germline.

PreventionGenetics, part of Exact Sciences
Classification: Uncertain significance for LAMA4-related condition. Last evaluated: 2023-11-15. Review status: no assertion criteria provided. Collection method: clinical testing. Allele origin: germline. Not counted in ClinVar's aggregate classification.
Comment: The LAMA4 c.605G>A variant is predicted to result in the amino acid substitution p.Cys202Tyr. To our knowledge, this variant has not been reported in the literature. This variant is reported in 0.0062% of alleles in individuals of European (Non-Finnish) descent in gnomAD. At this time, the clinical significance of this variant is uncertain due to the absence of conclusive functional and genetic evidence.